The following is an entry in ClinVar:

NM_001126108.2(SLC12A3):c.2161G>A (p.Val721Ile)

Gene: SLC12A3 (solute carrier family 12 member 3; plus strand). Cytogenetic location: 16q13.
Variant type: single nucleotide variant.
Coding change: c.2161G>A on transcript NM_001126108.2 (MANE Select); coding-DNA position 2161, G replaced by A.
Protein change: p.Val721Ile; replaces valine 721 with isoleucine.
Molecular consequence: missense variant.
Genome position (GRCh38, 1-based): chr16:56,887,076, G>A. VCF-style: chr16-56887076-G-A. GRCh37 (hg19) VCF-style: chr16-56920988-G-A.
Other names: c.2161G>A, p.Val721Ile (NM_000339.3); c.2158G>A, p.Val720Ile (NM_001126107.2, NM_001410896.1); short protein forms V720I, V721I.
Identifiers: ClinVar variation 2202240 (VCV002202240.2), dbSNP rs369808396, ClinGen allele CA8069753.

ClinVar aggregate classification (germline): Uncertain significance (1 of 4 stars; one submission).

Allele frequency attached by ClinVar (database versions not stated): gnomAD exomes 0.00001; ExAC 0.00002; gnomAD 0.00003; TOPMed 0.00005.
gnomAD v4.1: 23 of 1,613,938 alleles (0.0014%); highest among the groups gnomAD compares: African/African-American, 0.0093%; no homozygotes.

Submission:

Labcorp Genetics (formerly Invitae), Labcorp
Classification: Uncertain significance. Last evaluated: 2024-10-23. Review status: criteria provided, single submitter. Criteria: Invitae Variant Classification Sherloc (09022015). Collection method: clinical testing. Allele origin: germline.
Comment: This sequence change replaces valine, which is neutral and non-polar, with isoleucine, which is neutral and non-polar, at codon 721 of the SLC12A3 protein (p.Val721Ile). The frequency data for this variant in the population databases is considered unreliable, as metrics indicate poor data quality at this position in the gnomAD database. This variant has not been reported in the literature in individuals affected with SLC12A3-related conditions. ClinVar contains an entry for this variant (Variation ID: 2202240). Invitae Evidence Modeling of protein sequence and biophysical properties (such as structural, functional, and spatial information, amino acid conservation, physicochemical variation, residue mobility, and thermodynamic stability) has been performed for this missense variant. However, the output from this modeling did not meet the statistical confidence thresholds required to predict the impact of this variant on SLC12A3 protein function. In summary, the available evidence is currently insufficient to determine the role of this variant in disease. Therefore, it has been classified as a Variant of Uncertain Significance.